The following is an entry in ClinVar:

ClinVar aggregate classification (germline): Pathogenic (1 of 4 stars; one submission).

Conditions:
Wilson disease (WND). Also called: Wilson's disease. Identifiers: Orphanet 905, MedGen C0019202, MONDO:0010200, OMIM 277900. Disease mechanism: loss of function.

Submission:

Labcorp Genetics (formerly Invitae), Labcorp
Classification: Pathogenic for Wilson disease. Last evaluated: 2025-03-20. Review status: criteria provided, single submitter. Criteria: Invitae Variant Classification Sherloc (09022015). Collection method: clinical testing. Allele origin: germline.
Comment: This sequence change creates a premature translational stop signal (p.Gln1387*) in the ATP7B gene. While this is not anticipated to result in nonsense mediated decay, it is expected to disrupt the last 79 amino acid(s) of the ATP7B protein. This variant is not present in population databases (gnomAD no frequency). This variant has not been reported in the literature in individuals affected with ATP7B-related conditions. Algorithms developed to predict the effect of sequence changes on RNA splicing suggest that this variant may disrupt the consensus splice site. This variant disrupts a region of the ATP7B protein in which other variant(s) (p.Arg1459Glyfs*2) have been determined to be pathogenic (PMID: 26799313). This suggests that this is a clinically significant region of the protein, and that variants that disrupt it are likely to be disease-causing. For these reasons, this variant has been classified as Pathogenic.

Literature cited by the submitters: PubMed 26799313.

NM_000053.4(ATP7B):c.4159C>T (p.Gln1387Ter)

Gene: ATP7B (ATPase copper transporting beta; minus strand). Cytogenetic location: 13q14.3.
Variant type: single nucleotide variant.
Coding change: c.4159C>T on transcript NM_000053.4 (MANE Select); coding-DNA position 4159, C replaced by T.
Protein change: p.Gln1387Ter; replaces glutamine 1387 with a stop codon.
Molecular consequence: nonsense.
Genome position (GRCh38, 1-based): chr13:51,934,995, G>A on the plus strand (C>T on the coding strand, the complement: ATP7B is on the minus strand). VCF-style: chr13-51934995-G-A. GRCh37 (hg19) VCF-style: chr13-52509131-G-A.
Other names: c.3538C>T, p.Gln1180Ter (NM_001005918.3); c.3826C>T, p.Gln1276Ter (NM_001243182.2); c.3925C>T, p.Gln1309Ter (NM_001330578.2, NM_001406527.1, NM_001406528.1); c.3907C>T, p.Gln1303Ter (NM_001330579.2, NM_001406531.1, NM_001406532.1); c.4159C>T, p.Gln1387Ter (NM_001406511.1, NM_001406512.1); c.4153C>T, p.Gln1385Ter (NM_001406513.1); c.4126C>T, p.Gln1376Ter (NM_001406514.1); c.4105C>T, p.Gln1369Ter (NM_001406515.1, NM_001406516.1); and 21 more; short protein forms Q1160*, Q1171*, Q1261*, Q1277*, Q1309*, Q1319*, Q1385*, Q1106*.
Identifiers: ClinVar variation 4715544 (VCV004715544.1).
Genomic context (GRCh38, chr13:51,934,995, plus strand): 5'-CCATGCCTATGTGCACACTGACCTGGGATGCCGTCAGGGGCTTCATGTGGCCATGCGCCT[G>A]TGCCTCATACCTCTCCAGGTCAGGCTTCTTATAGCTGGAAAGCAGGAACGCAACAGCATC-3'